The following is an entry in ClinVar:

NM_003919.3(SGCE):c.1297+886G>A

Genes: CASD1 (CAS1 domain sialic acid O acetyltransferase 1; plus strand), SGCE (sarcoglycan epsilon; minus strand). Cytogenetic location: 7q21.3.
Variant type: single nucleotide variant.
Coding change: c.1297+886G>A on transcript NM_003919.3 (MANE Select); 886 bases into the intron after coding-DNA position 1297, G replaced by A.
Molecular consequence: intron variant. On other transcripts: missense variant (1).
Genome position (GRCh38, 1-based): chr7:94,587,803, C>T on the plus strand (G>A on the coding strand, the complement: SGCE is on the minus strand). VCF-style: chr7-94587803-C-T. GRCh37 (hg19) VCF-style: chr7-94217115-C-T.
Other names: c.1280G>A, p.Arg427His (NM_001099400.2); c.1147+886G>A (NM_001362809.2); c.1174+886G>A (NM_001301139.2); c.1270+886G>A (NM_001346717.2); c.1372+886G>A (NM_001099401.2); c.1378+886G>A (NM_001346715.2); c.1405+886G>A (NM_001346713.2); c.1183+886G>A (NM_001362807.2); and 3 more; short protein forms R427H.
Identifiers: ClinVar variation 493457 (VCV000493457.43), dbSNP rs370584439, ClinGen allele CA4348551.

ClinVar aggregate classification (germline): Likely benign (1 of 4 stars; one submission).

Allele frequency attached by ClinVar (database versions not stated): gnomAD 0.00003; gnomAD exomes 0.00003; TOPMed 0.00004; ExAC 0.00009; ESP Exome Variant Server 0.00009.
gnomAD v4.1: 16 of 1,546,492 alleles (0.001%); highest among the groups gnomAD compares: African/African-American, 0.0055%; no homozygotes.

Submission:

CeGaT Center for Human Genetics Tuebingen
Classification: Likely benign. Last evaluated: 2024-09-01. Review status: criteria provided, single submitter. Criteria: CeGaT Center For Human Genetics Tuebingen Variant Classification Criteria Version 2. Collection method: clinical testing. Allele origin: germline. Affected: yes. Observed: 2 variant alleles.
Comment: SGCE: BS2